The following is an entry in ClinVar:

ClinVar aggregate classification (germline): Uncertain significance. Review status: criteria provided, multiple submitters, no conflicts (2 of 4 stars). 2 submissions from 2 submitters: Uncertain significance (2). Last evaluated 2022-08-31.

Conditions:
Brugada syndrome 9 (BRGDA9). Identifiers: Orphanet 130, MedGen C4225340, MONDO:0014621, OMIM 616399.
Spinocerebellar ataxia type 19/22 (SCA19). Also called: SPINOCEREBELLAR ATAXIA 22; SPINOCEREBELLAR ATAXIA 19. Identifiers: Orphanet 98772, MedGen C1846367, MONDO:0011819, OMIM 607346.

Allele frequency attached by ClinVar (database versions not stated): gnomAD exomes below 0.00001.
gnomAD v4.1: 1 of 1,614,204 alleles (0.000062%); highest among the groups gnomAD compares: Non-Finnish European, 0.000085%; no homozygotes.

Submissions (2):

Labcorp Genetics (formerly Invitae), Labcorp
Classification: Uncertain significance for Spinocerebellar ataxia type 19/22. Last evaluated: 2022-08-31. Review status: criteria provided, single submitter. Criteria: Invitae Variant Classification Sherloc (09022015). Collection method: clinical testing. Allele origin: germline.
Comment: This variant is present in population databases (no rsID available, gnomAD 0.0009%). This sequence change replaces proline, which is neutral and non-polar, with threonine, which is neutral and polar, at codon 534 of the KCND3 protein (p.Pro534Thr). This variant has not been reported in the literature in individuals affected with KCND3-related conditions. In summary, the available evidence is currently insufficient to determine the role of this variant in disease. Therefore, it has been classified as a Variant of Uncertain Significance. Algorithms developed to predict the effect of missense changes on protein structure and function are either unavailable or do not agree on the potential impact of this missense change (SIFT: "Tolerated"; PolyPhen-2: "Possibly Damaging"; Align-GVGD: "Class C0"). ClinVar contains an entry for this variant (Variation ID: 1014492).

Fulgent Genetics
Classification: Uncertain significance for Spinocerebellar ataxia type 19/22; Brugada syndrome 9. Last evaluated: 2021-11-03. Review status: criteria provided, single submitter. Criteria: ACMG Guidelines, 2015. Collection method: clinical testing. Allele origin: unknown.

NM_001378969.1(KCND3):c.1600C>A (p.Pro534Thr)

Gene: KCND3 (potassium voltage-gated channel subfamily D member 3; minus strand). Cytogenetic location: 1p13.2.
Variant type: single nucleotide variant.
Coding change: c.1600C>A on transcript NM_001378969.1 (MANE Select); coding-DNA position 1600, C replaced by A.
Protein change: p.Pro534Thr; replaces proline 534 with threonine.
Molecular consequence: missense variant.
Genome position (GRCh38, 1-based): chr1:111,777,192, G>T on the plus strand (C>A on the coding strand, the complement: KCND3 is on the minus strand). VCF-style: chr1-111777192-G-T. GRCh37 (hg19) VCF-style: chr1-112319814-G-T.
Other names: c.1543C>A, p.Pro515Thr (NM_001378970.1, NM_172198.3); c.1600C>A, p.Pro534Thr (NM_004980.5); short protein forms P515T, P534T.
Identifiers: ClinVar variation 1014492 (VCV001014492.9), dbSNP rs1447493103, ClinGen allele CA341657234.